The following is an entry in ClinVar:

ClinVar aggregate classification (germline): Likely benign (1 of 4 stars; one submission).

Conditions:
GDNF-related disorder. Also called: GDNF-related condition.

Submission:

PreventionGenetics, part of Exact Sciences
Classification: Likely benign for GDNF-related condition. Last evaluated: 2026-04-16. Review status: criteria provided, single submitter. Criteria: ACMG Guidelines, 2015. Collection method: clinical testing. Allele origin: germline.
Comment: This variant is classified as likely benign based on ACMG/AMP sequence variant interpretation guidelines (Richards et al. 2015 PMID: 25741868, with internal and published modifications).

NM_000514.4(GDNF):c.-26-828T>G

Gene: GDNF (glial cell derived neurotrophic factor; minus strand). Cytogenetic location: 5p13.2.
Variant type: single nucleotide variant.
Coding change: c.-26-828T>G on transcript NM_000514.4 (MANE Select); 828 bases into the intron before 26 bases upstream of the start codon, T replaced by G.
Molecular consequence: intron variant. On other transcripts: synonymous variant (2).
Genome position (GRCh38, 1-based): chr5:37,835,650, A>C on the plus strand (T>G on the coding strand, the complement: GDNF is on the minus strand). VCF-style: chr5-37835650-A-C. GRCh37 (hg19) VCF-style: chr5-37835752-A-C.
Other names: c.9T>G, p.Ser3= (NM_001190468.1, NM_001190469.1).
Identifiers: ClinVar variation 4981154 (VCV004981154.1).